The following is an entry in ClinVar:

ClinVar aggregate classification (germline): Uncertain significance. Review status: criteria provided, multiple submitters, no conflicts (2 of 4 stars). 6 submissions from 6 submitters: Uncertain significance (6). Last evaluated 2025-12-02.

Conditions:
Inborn genetic diseases. Identifiers: MedGen C0950123, MeSH D030342.
Charcot-Marie-Tooth disease type 2. Also called: Charcot-Marie-Tooth type 2. Identifiers: Orphanet 64746, MedGen C0270914, MONDO:0018993.
AARS1-related disorder. Also called: AARS1-related condition.
Charcot-Marie-Tooth disease. Also called: Charcot-Marie-Tooth Hereditary Neuropathy; Charcot-Marie-Tooth Neuropathy. Identifiers: Orphanet 166, MedGen C0007959, MONDO:0015626.

Allele frequency attached by ClinVar (database versions not stated): gnomAD 0.00004; TOPMed 0.00004; gnomAD exomes 0.00007 and 0.00010; ExAC 0.00008; ESP Exome Variant Server 0.00008.
gnomAD v4.1: 159 of 1,613,968 alleles (0.0099%); highest among the groups gnomAD compares: Non-Finnish European, 0.012%; no homozygotes.

Submissions (6):

PreventionGenetics, part of Exact Sciences
Classification: Uncertain significance for AARS1-related condition. Last evaluated: 2025-12-02. Review status: criteria provided, single submitter. Criteria: ACMG Guidelines, 2015. Collection method: clinical testing. Allele origin: germline.
Comment: The AARS1 c.1420C>T variant is predicted to result in the amino acid substitution p.Arg474Trp. This variant has been reported as a variant of uncertain significance in an individual from a large cohort study of Charcot-Marie-Tooth disease; however, additional evidence was not provided (Suppl. Table 2, Volodarsky et al. 2021. PubMed ID: 32376792). This variant is reported in 0.014% of alleles in individuals of Latino descent in gnomAD. At this time, the clinical significance of this variant is uncertain due to the absence of conclusive functional and genetic evidence.

Labcorp Genetics (formerly Invitae), Labcorp
Classification: Uncertain significance for Charcot-Marie-Tooth disease type 2. Last evaluated: 2025-08-20. Review status: criteria provided, single submitter. Criteria: Invitae Variant Classification Sherloc (09022015). Collection method: clinical testing. Allele origin: germline.
Comment: This sequence change replaces arginine, which is basic and polar, with tryptophan, which is neutral and slightly polar, at codon 474 of the AARS protein (p.Arg474Trp). The frequency data for this variant in the population databases is considered unreliable, as metrics indicate poor data quality at this position in the gnomAD database. This missense change has been observed in individual(s) with suspected Charcot-Marie-Tooth disease (PMID: 32376792). ClinVar contains an entry for this variant (Variation ID: 664851). Invitae Evidence Modeling of protein sequence and biophysical properties (such as structural, functional, and spatial information, amino acid conservation, physicochemical variation, residue mobility, and thermodynamic stability) has been performed for this missense variant. However, the output from this modeling did not meet the statistical confidence thresholds required to predict the impact of this variant on AARS protein function. In summary, the available evidence is currently insufficient to determine the role of this variant in disease. Therefore, it has been classified as a Variant of Uncertain Significance.

Blueprint Genetics
Classification: Uncertain significance. Last evaluated: 2024-10-04. Review status: criteria provided, single submitter. Criteria: ACMG Guidelines, 2015. Collection method: clinical testing. Allele origin: germline.

CeGaT Center for Human Genetics Tuebingen
Classification: Uncertain significance. Last evaluated: 2022-07-01. Review status: criteria provided, single submitter. Criteria: CeGaT Center For Human Genetics Tuebingen Variant Classification Criteria Version 2. Collection method: clinical testing. Allele origin: germline. Affected: yes. Observed: 1 variant allele.

Ambry Genetics
Classification: Uncertain significance for Inborn genetic diseases. Last evaluated: 2021-09-08. Review status: criteria provided, single submitter. Criteria: Ambry Variant Classification Scheme 2023. Collection method: clinical testing. Allele origin: germline.
Comment: The c.1420C>T (p.R474W) alteration is located in exon 11 (coding exon 10) of the AARS gene. This alteration results from a C to T substitution at nucleotide position 1420, causing the arginine (R) at amino acid position 474 to be replaced by a tryptophan (W). Based on data from the Genome Aggregation Database (gnomAD), the AARS c.1420C>T alteration was observed in 0.006% (18/282,854) of total alleles studied, with a frequency of 0.01% (5/35,436) in Latino subpopulation. This amino acid position is completely conserved in available vertebrate species. The in silico prediction for this alteration is inconclusive. Based on insufficient or conflicting evidence, the clinical significance of this alteration remains unclear.

Molecular Genetics Laboratory, London Health Sciences Centre
Classification: Uncertain significance for Charcot-Marie-Tooth disease. Review status: criteria provided, single submitter. Criteria: ACMG Guidelines, 2015. Collection method: clinical testing. Allele origin: germline. Affected: yes.

Literature cited by the submitters: PubMed 32376792 (cited by Labcorp Genetics (formerly Invitae), Labcorp).

NM_001605.3(AARS1):c.1420C>T (p.Arg474Trp)

Gene: AARS1 (alanyl-tRNA synthetase 1; minus strand). Cytogenetic location: 16q22.1.
Variant type: single nucleotide variant.
Coding change: c.1420C>T on transcript NM_001605.3 (MANE Select); coding-DNA position 1420, C replaced by T.
Protein change: p.Arg474Trp; replaces arginine 474 with tryptophan.
Molecular consequence: missense variant.
Genome position (GRCh38, 1-based): chr16:70,265,030, G>A on the plus strand (C>T on the coding strand, the complement: AARS1 is on the minus strand). VCF-style: chr16-70265030-G-A. GRCh37 (hg19) VCF-style: chr16-70298933-G-A.
Other names: short protein forms R474W.
Identifiers: ClinVar variation 664851 (VCV000664851.34), dbSNP rs377163632, ClinGen allele CA8140820.
Genomic context (GRCh38, chr16:70,265,030, plus strand): 5'-TGGAGTCCAAATGGTAATTGTACTTTGGGGAATCATCTGTGACCTCCAGACCCCGTGCCC[G>A]GAGCTCTTCGATAGCGTAAATGTCCAGCATAATGAGGTCTTCCCCACCAGCTCCCTTGCC-3'
Protein context (NP_001596.2, residues 464-484): MLDIYAIEEL[Arg474Trp]ARGLEVTDDS